The following is an entry in ClinVar:

ClinVar aggregate classification (germline): Pathogenic (0 of 4 stars; one submission).

Conditions:
Carcinoma of colon (CRC). Also called: Colonic carcinoma; Colon carcinoma. Identifiers: MedGen C0699790, MONDO:0002032.

Submission:

Department of Pathology and Laboratory Medicine, Sinai Health System
Classification: Pathogenic for Carcinoma of colon. Review status: no assertion criteria provided. Collection method: clinical testing. Allele origin: unknown. Affected: yes. Study: The Canadian Open Genetics Repository (COGR).
Comment: The c.1313-?_8532+?del variant was not identified in the literature. Although the precise breakpoints were not determined, this deletion encompasses the region from exon 13 to exon 18. This type of alteration is predicted to result in a truncated or absent protein and loss of function. Loss of function variants of the APC gene are an established mechanism of disease and is the type of alteration expected to cause familial adenomatous polyposis. In summary, based on the above information, this variant is classified as pathogenic.

NM_000038.6(APC):c.1313-2_1743+144del

Gene: APC (APC regulator of Wnt signaling pathway; plus strand). Cytogenetic location: 5q22.2.
Variant type: Deletion.
Coding change: c.1313-2_1743+144del on transcript NM_000038.6 (MANE Select); the canonical splice acceptor site of the intron before coding-DNA position 1313 through 144 bases into the intron after coding-DNA position 1743, 7,223 bases deleted.
Molecular consequence: splice acceptor variant, splice donor variant.
Genome position (GRCh38, 1-based): chr5:112,821,894-112,829,116, 7,223 bases deleted. GRCh37 (hg19): chr5:112,157,591-112,164,813.
Other names: c.935-2_1365+144del (NM_001354904.2); c.464-2_894+144del (NM_001354906.2); c.1313-2_1797+144del (NM_001354896.2); c.1010-2_1440+144del (NM_001354903.2); c.1229-2_1659+144del (NM_001354899.2); c.1136-2_1620+144del (NM_001354900.2); c.1136-2_1566+144del (NM_001354901.2); c.833-2_1263+144del (NM_001354905.2); and 5 more.
Identifiers: ClinVar variation 1050611 (VCV001050611.1), ClinGen allele CA2499217432.